The following is an entry in ClinVar:

ClinVar aggregate classification (germline): Benign/Likely benign. Review status: criteria provided, multiple submitters, no conflicts (2 of 4 stars). 6 submissions from 6 submitters: Benign (1); Likely benign (4). 1 of the submissions does not count toward it. Last evaluated 2026-01-19.

Conditions:
Autosomal dominant nonsyndromic hearing loss 2A. Also called: Deafness, autosomal dominant 2A; Autosomal dominant nonsyndromic deafness 2A; DFNA2 Nonsyndromic Hearing Loss. Identifiers: Orphanet 90635, MedGen C2677637, MONDO:0010817, OMIM 600101.
KCNQ4-related disorder. Also called: KCNQ4-related condition.

Allele frequency attached by ClinVar (database versions not stated): gnomAD 0.00009; gnomAD exomes 0.00011 and 0.00101; TOPMed 0.00042; ExAC 0.00157.
gnomAD v4.1: 157 of 1,512,498 alleles (0.01%); highest among the groups gnomAD compares: Admixed American, 0.32%; 2 homozygotes.

Submissions (6):

Labcorp Genetics (formerly Invitae), Labcorp
Classification: Benign. Last evaluated: 2026-01-19. Review status: criteria provided, single submitter. Criteria: Invitae Variant Classification Sherloc (09022015). Collection method: clinical testing. Allele origin: germline.

CeGaT Center for Human Genetics Tuebingen
Classification: Likely benign. Last evaluated: 2026-01-01. Review status: criteria provided, single submitter. Criteria: CeGaT Center For Human Genetics Tuebingen Variant Classification Criteria Version 2. Collection method: clinical testing. Allele origin: germline. Affected: yes. Observed: 1 variant allele.
Comment: KCNQ4: PP3, BS1

Blueprint Genetics
Classification: Likely benign. Last evaluated: 2023-07-17. Review status: criteria provided, single submitter. Criteria: ACMG Guidelines, 2015. Collection method: clinical testing. Allele origin: germline.

Genome-Nilou Lab
Classification: Likely benign for Autosomal dominant nonsyndromic hearing loss 2A. Last evaluated: 2023-04-11. Review status: criteria provided, single submitter. Criteria: ACMG Guidelines, 2015. Collection method: clinical testing. Allele origin: germline. Affected: no.

GeneDx
Classification: Likely benign. Last evaluated: 2021-04-20. Review status: criteria provided, single submitter. Criteria: GeneDx Variant Classification Process June 2021. Collection method: clinical testing. Allele origin: germline. Affected: yes.

PreventionGenetics, part of Exact Sciences
Classification: Benign for KCNQ4-related condition. Last evaluated: 2020-02-03. Review status: no assertion criteria provided. Collection method: clinical testing. Allele origin: germline. Not counted in ClinVar's aggregate classification.
Comment: This variant is classified as benign based on ACMG/AMP sequence variant interpretation guidelines (Richards et al. 2015 PMID: 25741868, with internal and published modifications).

NM_004700.4(KCNQ4):c.176C>T (p.Pro59Leu)

Gene: KCNQ4 (potassium voltage-gated channel subfamily Q member 4; plus strand). Cytogenetic location: 1p34.2.
Variant type: single nucleotide variant.
Coding change: c.176C>T on transcript NM_004700.4 (MANE Select); coding-DNA position 176, C replaced by T.
Protein change: p.Pro59Leu; replaces proline 59 with leucine.
Molecular consequence: missense variant.
Genome position (GRCh38, 1-based): chr1:40,784,269, C>T. VCF-style: chr1-40784269-C-T. GRCh37 (hg19) VCF-style: chr1-41249941-C-T.
Other names: c.176C>T, p.Pro59Leu (NM_172163.3); short protein forms P59L.
Identifiers: ClinVar variation 730845 (VCV000730845.18), dbSNP rs775420649, ClinGen allele CA794446.
Genomic context (GRCh38, chr1:40,784,269, plus strand): 5'-GCGGCTCCCCGCGCCGCCTCGGCCTCCTGGGCAGCCCCCTGCCGCCGGGCGCGCCCCTCC[C>T]TGGGCCGGGCTCCGGCTCGGGCTCCGCCTGCGGCCAGCGCTCCTCGGCCGCGCACAAGCG-3'
Protein context (NP_004691.2, residues 49-69): GSPLPPGAPL[Pro59Leu]GPGSGSGSAC